The following is an entry in ClinVar:

NM_003190.5(TAPBP):c.728A>G (p.Asp243Gly)

Gene: TAPBP (TAP binding protein; minus strand). Cytogenetic location: 6p21.32.
Variant type: single nucleotide variant.
Coding change: c.728A>G on transcript NM_003190.5 (MANE Select); coding-DNA position 728, A replaced by G.
Protein change: p.Asp243Gly; replaces aspartic acid 243 with glycine.
Molecular consequence: missense variant.
Genome position (GRCh38, 1-based): chr6:33,305,129, T>C on the plus strand (A>G on the coding strand, the complement: TAPBP is on the minus strand). VCF-style: chr6-33305129-T-C. GRCh37 (hg19) VCF-style: chr6-33272906-T-C.
Other names: c.728A>G, p.Asp243Gly (NM_001410875.1, NM_172208.3); c.467A>G, p.Asp156Gly (NM_172209.3); short protein forms D243G, D156G.
Identifiers: ClinVar variation 3645484 (VCV003645484.2).

ClinVar aggregate classification (germline): Uncertain significance (1 of 4 stars; one submission).

Conditions:
MHC class I deficiency. Identifiers: Orphanet 34592, MedGen C6024714, MONDO:0011476.

gnomAD v4.1: 2 of 1,614,190 alleles (0.00012%); highest among the groups gnomAD compares: Non-Finnish European, 0.000085%; no homozygotes.

Submission:

Labcorp Genetics (formerly Invitae), Labcorp
Classification: Uncertain significance for MHC class I deficiency 1. Last evaluated: 2025-10-24. Review status: criteria provided, single submitter. Criteria: Invitae Variant Classification Sherloc (09022015). Collection method: clinical testing. Allele origin: germline.
Comment: This sequence change replaces aspartic acid, which is acidic and polar, with glycine, which is neutral and non-polar, at codon 243 of the TAPBP protein (p.Asp243Gly). This variant is not present in population databases (gnomAD no frequency). This variant has not been reported in the literature in individuals affected with TAPBP-related conditions. ClinVar contains an entry for this variant (Variation ID: 3645484). An algorithm developed to predict the effect of missense changes on protein structure and function (PolyPhen-2) suggests that this variant is likely to be disruptive. In summary, the available evidence is currently insufficient to determine the role of this variant in disease. Therefore, it has been classified as a Variant of Uncertain Significance.